The following is an entry in ClinVar:

ClinVar aggregate classification (germline): Likely benign. Review status: criteria provided, single submitter (1 of 4 stars). 2 submissions from 2 submitters: Likely benign (1). 1 of the submissions does not count toward it. Last evaluated 2026-01-15.

Conditions:
Hereditary sensory and autonomic neuropathy type 6. Also called: Neuropathy, hereditary sensory and autonomic, type VI; HSAN VI. Identifiers: Orphanet 314381, MedGen C3539003, MONDO:0013839, OMIM 614653.
Epidermolysis bullosa simplex 3, localized or generalized intermediate, with BP230 deficiency (EBS3). Also called: Epidermolysis bullosa simplex, autosomal recessive 2; Epidermolysis bullosa simplex due to BP230 deficiency. Identifiers: Orphanet 412181, MedGen C3809470, MONDO:0014180, OMIM 615425.
DST-related disorder. Also called: DST-related condition; DST-related disorders.

Allele frequency attached by ClinVar (database versions not stated): gnomAD 0.00001; ExAC 0.00009; TOPMed 0.00010; gnomAD exomes 0.00015.
gnomAD v4.1: 44 of 1,614,082 alleles (0.0027%); highest among the groups gnomAD compares: Admixed American, 0.07%; no homozygotes.

Submissions (2):

Labcorp Genetics (formerly Invitae), Labcorp
Classification: Likely benign for Epidermolysis bullosa simplex 3, localized or generalized intermediate, with BP230 deficiency; Hereditary sensory and autonomic neuropathy type 6. Last evaluated: 2026-01-15. Review status: criteria provided, single submitter. Criteria: Invitae Variant Classification Sherloc (09022015). Collection method: clinical testing. Allele origin: germline.

PreventionGenetics, part of Exact Sciences
Classification: Likely benign for DST-related condition. Last evaluated: 2019-07-22. Review status: no assertion criteria provided. Collection method: clinical testing. Allele origin: germline. Not counted in ClinVar's aggregate classification.
Comment: This variant is classified as likely benign based on ACMG/AMP sequence variant interpretation guidelines (Richards et al. 2015 PMID: 25741868, with internal and published modifications).

NM_001723.7(DST):c.129T>C (p.Ser43=)

Gene: DST (dystonin; minus strand). Cytogenetic location: 6p12.1.
Variant type: single nucleotide variant.
Coding change: c.129T>C on transcript NM_001723.7 (MANE Plus Clinical); coding-DNA position 129, T replaced by C.
Protein change: p.Ser43=; no amino-acid change (serine 43 retained).
Molecular consequence: synonymous variant. On other transcripts: intron variant (9).
Genome position (GRCh38, 1-based): chr6:56,642,660, A>G on the plus strand (T>C on the coding strand, the complement: DST is on the minus strand). VCF-style: chr6-56642660-A-G. GRCh37 (hg19) VCF-style: chr6-56507458-A-G.
Other names: c.129T>C, p.Ser43= (NM_015548.5); c.1680-157T>C (NM_001144769.5); c.1779-157T>C (NM_001374722.1, NM_001374736.1); c.1806-157T>C (NM_001374734.1); c.1266-157T>C (NM_001144770.2); c.1146-157T>C (NM_001374730.1, NM_001386100.1, NM_183380.4 and 1 more transcripts).
Identifiers: ClinVar variation 706671 (VCV000706671.13), dbSNP rs764913069, ClinGen allele CA3871587.
Genomic context (GRCh38, chr6:56,642,660, plus strand): 5'-TCCCACACCAATGATTCAATACCTGTGTCCATCAAAGGATTCACTGCCGAAGCTAATGCA[A>G]GAGTTGATCAGTGTTGGACCACAATGAACCAAGAGAAGATTTTCATTTGAATCAAGACTG-3'
Protein context (NP_001714.1, residues 33-53): LVHCGPTLIN[Ser43=]CISFGSESFD